The following is an entry in ClinVar:

ClinVar aggregate classification (germline): Benign/Likely benign. Review status: criteria provided, multiple submitters, no conflicts (2 of 4 stars). 2 submissions from 2 submitters: Benign (1); Likely benign (1). Last evaluated 2018-01-13.

Conditions:
Maturity-onset diabetes of the young (MODY). Also called: Maturity onset diabetes mellitus in young. Identifiers: Orphanet 552, MedGen C0342276, MONDO:0018911, HP:0004904.
Renal cysts and diabetes syndrome (RCAD). Also called: Familial hypoplastic, glomerulocystic kidney; MATURITY-ONSET DIABETES OF THE YOUNG, TYPE 5. Identifiers: Orphanet 93111, MedGen C0431693, MONDO:0007669, OMIM 137920.

Allele frequency attached by ClinVar (database versions not stated): gnomAD exomes 0.00005; 1000 Genomes Project 30x 0.00156; 1000 Genomes Project 0.00160; gnomAD 0.00195 and 0.00215; TOPMed 0.00212.
gnomAD v4.1: 296 of 172,902 alleles (0.17%); highest among the groups gnomAD compares: African/African-American, 0.65%; no homozygotes.

Submissions (2):

Illumina Laboratory Services, Illumina
Classification: Benign for Renal cysts and diabetes syndrome. Last evaluated: 2018-01-13. Review status: criteria provided, single submitter. Criteria: ICSL Variant Classification Criteria 13 December 2019. Collection method: clinical testing. Allele origin: germline.
Comment: This variant was observed in the ICSL laboratory as part of a predisposition screen in an ostensibly healthy population. It had not been previously curated by ICSL or reported in the Human Gene Mutation Database (HGMD: prior to June 1st, 2018), and was therefore a candidate for classification through an automated scoring system. Utilizing variant allele frequency, disease prevalence and penetrance estimates, and inheritance mode, an automated score was calculated to assess if this variant is too frequent to cause the disease. Based on the score and internal cut-off values, a variant classified as benign is not then subjected to further curation. The score for this variant resulted in a classification of benign for this disease.

Clinical Genomics, Uppaluri K&H Personalized Medicine Clinic
Classification: Likely benign for Maturity-onset diabetes of the young. Review status: criteria provided, single submitter. Criteria: K & H Uppaluri Personalized Medicine Clinic Variant Classification & Assertion Criteria_Updated V.1. Collection method: research. Allele origin: unknown. Inheritance: Autosomal dominant inheritance.
Comment: HNF1B gene mutations are associated with early onset diabetes and pancreatic atrophy. It is also associated with multiple renal manifestations including renal cysts, Tubulointerstitial disease, glomerulocystic disease, renal hypoplasia, hypomagnesemia. However no sufficient evidence is found to ascertain the role of this particular variant rs182736930, yet.

Literature cited by the submitters: PubMed 24897035 (cited by Clinical Genomics, Uppaluri K&H Personalized Medicine Clinic); PubMed 25536396 (cited by Clinical Genomics, Uppaluri K&H Personalized Medicine Clinic); PubMed 27615128 (cited by Clinical Genomics, Uppaluri K&H Personalized Medicine Clinic); PubMed 28215227 (cited by Clinical Genomics, Uppaluri K&H Personalized Medicine Clinic); PubMed 33434175 (cited by Clinical Genomics, Uppaluri K&H Personalized Medicine Clinic); PubMed 25741167 (cited by Clinical Genomics, Uppaluri K&H Personalized Medicine Clinic); PubMed 26340261 (cited by Clinical Genomics, Uppaluri K&H Personalized Medicine Clinic); PubMed 19639018 (cited by Clinical Genomics, Uppaluri K&H Personalized Medicine Clinic).

NM_000458.4(HNF1B):c.*659G>A

Gene: HNF1B (HNF1 homeobox B; minus strand). Cytogenetic location: 17q12.
Variant type: single nucleotide variant.
Coding change: c.*659G>A on transcript NM_000458.4 (MANE Select); 659 bases downstream of the stop codon, G replaced by A.
Molecular consequence: 3 prime UTR variant.
Genome position (GRCh38, 1-based): chr17:37,686,713, C>T on the plus strand (G>A on the coding strand, the complement: HNF1B is on the minus strand). VCF-style: chr17-37686713-C-T. GRCh37 (hg19) VCF-style: chr17-36046716-C-T.
Other names: c.*659G>A (NM_001165923.4); c.*567G>A (NM_001304286.2).
Identifiers: ClinVar variation 892033 (VCV000892033.5), dbSNP rs182736930, ClinGen allele CA290286251.